The following is an entry in ClinVar:

NM_002382.5(MAX):c.258C>T (p.Asp86=)

Gene: MAX (MYC associated transcriptional regulator X; minus strand). Cytogenetic location: 14q23.3.
Variant type: single nucleotide variant.
Coding change: c.258C>T on transcript NM_002382.5 (MANE Select); coding-DNA position 258, C replaced by T.
Protein change: p.Asp86=; no amino-acid change (aspartic acid 86 retained).
Molecular consequence: synonymous variant. On other transcripts: 5 prime UTR variant (6), non-coding transcript variant (7), intron variant (2).
Genome position (GRCh38, 1-based): chr14:65,077,950, G>A on the plus strand (C>T on the coding strand, the complement: MAX is on the minus strand). VCF-style: chr14-65077950-G-A. GRCh37 (hg19) VCF-style: chr14-65544668-G-A.
Other names: c.-17C>T (NM_001320415.2, NM_001407105.1, NM_001407106.1 and 1 more transcripts); c.258C>T, p.Asp86= (NM_001407094.1, NM_001407096.1, NM_001407097.1 and 3 more transcripts); c.231C>T, p.Asp77= (NM_001407095.1, NM_001407099.1, NM_001407100.1 and 6 more transcripts); c.150C>T, p.Asp50= (NM_001407098.1); c.-110C>T (NM_001407111.1, NM_001407112.1); c.144+15758C>T (NM_001271069.2); c.171+15758C>T (NM_197957.4).
Identifiers: ClinVar variation 696845 (VCV000696845.18), dbSNP rs780385213, ClinGen allele CA7232910.

ClinVar aggregate classification (germline): Benign/Likely benign. Review status: criteria provided, multiple submitters, no conflicts (2 of 4 stars). 4 submissions from 4 submitters: Benign (1); Likely benign (3). Last evaluated 2026-06-08.

Conditions:
Hereditary pheochromocytoma and paraganglioma. Also called: Hereditary Paraganglioma-Pheochromocytoma Syndromes; Hereditary paragangliomas and pheochromocytomas; Hereditary pheochromocytoma-paraganglioma. Identifiers: Orphanet 29072, MedGen C4274332, MONDO:0017366.
Pheochromocytoma. Also called: MAX-Related Hereditary Paraganglioma-Pheochromocytoma Syndrome. Identifiers: Orphanet 29072, MedGen C0031511, MONDO:0008233, OMIM 171300, HP:0002666.
Hereditary cancer-predisposing syndrome. Also called: Hereditary Cancer Syndrome; Hereditary neoplastic syndrome; Neoplastic Syndromes, Hereditary; Tumor predisposition. Identifiers: Orphanet 140162, MedGen C0027672, MeSH D009386, MONDO:0015356.

Allele frequency attached by ClinVar (database versions not stated): ExAC 0.00001; gnomAD 0.00001; TOPMed 0.00001; gnomAD exomes 0.00002.

Submissions (4):

Myriad Genetics, Inc.
Classification: Benign for Pheochromocytoma. Last evaluated: 2026-06-08. Review status: criteria provided, single submitter. Criteria: Myriad Autosomal Dominant, Autosomal Recessive and X-Linked Classification Criteria (2023). Collection method: clinical testing. Allele origin: unknown.
Comment: This variant is considered benign. This variant is a silent/synonymous amino acid change and it is not expected to impact splicing.

Labcorp Genetics (formerly Invitae), Labcorp
Classification: Likely benign for Hereditary pheochromocytoma and paraganglioma. Last evaluated: 2025-11-26. Review status: criteria provided, single submitter. Criteria: Invitae Variant Classification Sherloc (09022015). Collection method: clinical testing. Allele origin: germline.

Quest Diagnostics Nichols Institute San Juan Capistrano
Classification: Likely benign. Last evaluated: 2025-09-15. Review status: criteria provided, single submitter. Criteria: Quest Diagnostics criteria. Collection method: clinical testing. Allele origin: unknown.

Ambry Genetics
Classification: Likely benign for Hereditary cancer-predisposing syndrome. Last evaluated: 2019-09-28. Review status: criteria provided, single submitter. Criteria: Ambry Variant Classification Scheme 2023. Collection method: clinical testing. Allele origin: germline.